The following is an entry in ClinVar:

NM_001001957.2(OR2W3):c.479C>G (p.Ser160Cys)

Gene: OR2W3 (olfactory receptor family 2 subfamily W member 3; plus strand). Cytogenetic location: 1q44.
Variant type: single nucleotide variant.
Coding change: c.479C>G on transcript NM_001001957.2 (MANE Select); coding-DNA position 479, C replaced by G.
Protein change: p.Ser160Cys; replaces serine 160 with cysteine.
Molecular consequence: missense variant.
Genome position (GRCh38, 1-based): chr1:247,896,065, C>G. VCF-style: chr1-247896065-C-G. GRCh37 (hg19) VCF-style: chr1-248059367-C-G.
Other names: short protein forms S160C.
Identifiers: ClinVar variation 1360250 (VCV001360250.6), dbSNP rs986202655, ClinGen allele CA40764614.

ClinVar aggregate classification (germline): Uncertain significance (1 of 4 stars; one submission).

Allele frequency attached by ClinVar (database versions not stated): TOPMed below 0.00001.

Submission:

Labcorp Genetics (formerly Invitae), Labcorp
Classification: Uncertain significance. Last evaluated: 2021-11-11. Review status: criteria provided, single submitter. Criteria: Invitae Variant Classification Sherloc (09022015). Collection method: clinical testing. Allele origin: germline.
Comment: This variant is not present in population databases (gnomAD no frequency). This sequence change replaces serine, which is neutral and polar, with cysteine, which is neutral and slightly polar, at codon 160 of the OR2W3 protein (p.Ser160Cys). This variant has not been reported in the literature in individuals affected with OR2W3-related conditions. In summary, the available evidence is currently insufficient to determine the role of this variant in disease. Therefore, it has been classified as a Variant of Uncertain Significance. Algorithms developed to predict the effect of missense changes on protein structure and function (SIFT, PolyPhen-2, Align-GVGD) all suggest that this variant is likely to be disruptive.